The following is an entry in ClinVar:

ClinVar aggregate classification (germline): Uncertain significance (1 of 4 stars; one submission).

Conditions:
RASopathy. Also called: Noonan spectrum disorder; rasopathies. Identifiers: Orphanet 536391, MedGen C5555857, MONDO:0021060.

gnomAD v4.1: 7 of 1,551,204 alleles (0.00045%); highest among the groups gnomAD compares: Non-Finnish European, 0.00052%; no homozygotes.

Submission:

Labcorp Genetics (formerly Invitae), Labcorp
Classification: Uncertain significance for RASopathy. Last evaluated: 2026-01-04. Review status: criteria provided, single submitter. Criteria: Invitae Variant Classification Sherloc (09022015). Collection method: clinical testing. Allele origin: germline.
Comment: This sequence change replaces asparagine, which is neutral and polar, with serine, which is neutral and polar, at codon 347 of the MAP2K2 protein (p.Asn347Ser). This variant is not present in population databases (gnomAD no frequency). This variant has not been reported in the literature in individuals affected with MAP2K2-related conditions. Invitae Evidence Modeling of protein sequence and biophysical properties (such as structural, functional, and spatial information, amino acid conservation, physicochemical variation, residue mobility, and thermodynamic stability) indicates that this missense variant is not expected to disrupt MAP2K2 protein function with a negative predictive value of 95%. In summary, the available evidence is currently insufficient to determine the role of this variant in disease. Therefore, it has been classified as a Variant of Uncertain Significance.

NM_030662.4(MAP2K2):c.1040A>G (p.Asn347Ser)

Gene: MAP2K2 (mitogen-activated protein kinase kinase 2; minus strand). Cytogenetic location: 19p13.3.
Variant type: single nucleotide variant.
Coding change: c.1040A>G on transcript NM_030662.4 (MANE Select); coding-DNA position 1040, A replaced by G.
Protein change: p.Asn347Ser; replaces asparagine 347 with serine.
Molecular consequence: missense variant.
Genome position (GRCh38, 1-based): chr19:4,095,394, T>C on the plus strand (A>G on the coding strand, the complement: MAP2K2 is on the minus strand). VCF-style: chr19-4095394-T-C. GRCh37 (hg19) VCF-style: chr19-4095392-T-C.
Other names: c.761A>G, p.Asn254Ser (NM_001440688.1); c.470A>G, p.Asn157Ser (NM_001440689.1); short protein forms N157S, N254S, N347S.
Identifiers: ClinVar variation 4770984 (VCV004770984.1).
Genomic context (GRCh38, chr19:4,095,394, plus strand): 5'-GGAGTGGCACATCTGGGTCCCGGCCAGGGGTGTGGGCAGCCCGGCTCCACCTACCATTTA[T>C]TGACAAACTCCTGGAAGTCGGGGGTGAACACACCGTTGGGCAGCTTAGGAGGTGGCTGTG-3'
Protein context (NP_109587.1, residues 337-357): VFTPDFQEFV[Asn347Ser]KCLIKNPAER